The following is an entry in ClinVar:

NM_017802.4(DNAAF5):c.2472G>A (p.Leu824=)

Gene: DNAAF5 (dynein axonemal assembly factor 5; plus strand). Cytogenetic location: 7p22.3.
Variant type: single nucleotide variant.
Coding change: c.2472G>A on transcript NM_017802.4 (MANE Select); coding-DNA position 2472, G replaced by A.
Protein change: p.Leu824=; no amino-acid change (leucine 824 retained).
Molecular consequence: synonymous variant. On other transcripts: non-coding transcript variant (1).
Genome position (GRCh38, 1-based): chr7:785,557, G>A. VCF-style: chr7-785557-G-A. GRCh37 (hg19) VCF-style: chr7-825194-G-A.
Identifiers: ClinVar variation 454861 (VCV000454861.19), dbSNP rs114907681, ClinGen allele CA4111222.

ClinVar aggregate classification (germline): Benign/Likely benign. Review status: criteria provided, multiple submitters, no conflicts (2 of 4 stars). 5 submissions from 5 submitters: Benign (3); Likely benign (2). Last evaluated 2026-06-01.

Conditions:
Primary ciliary dyskinesia. Also called: Ciliary dyskinesia. Identifiers: Orphanet 244, MedGen C0008780, MONDO:0016575, HP:0012265.

Allele frequency attached by ClinVar (database versions not stated): gnomAD exomes 0.00030 and 0.00075; ExAC 0.00093; 1000 Genomes Project 0.00300; gnomAD 0.00308 and 0.00336; ESP Exome Variant Server 0.00331; TOPMed 0.00365; 1000 Genomes Project 30x 0.00390.
gnomAD v4.1: 955 of 1,613,612 alleles (0.059%); highest among the groups gnomAD compares: African/African-American, 1.1%; 5 homozygotes.

Submissions (5):

CeGaT Center for Human Genetics Tuebingen
Classification: Likely benign. Last evaluated: 2026-06-01. Review status: criteria provided, single submitter. Criteria: CeGaT Center For Human Genetics Tuebingen Variant Classification Criteria Version 2. Collection method: clinical testing. Allele origin: germline. Affected: yes. Observed: 1 variant allele.
Comment: DNAAF5: BP4, BP7, BS1

Labcorp Genetics (formerly Invitae), Labcorp
Classification: Benign for Primary ciliary dyskinesia. Last evaluated: 2026-01-21. Review status: criteria provided, single submitter. Criteria: Invitae Variant Classification Sherloc (09022015). Collection method: clinical testing. Allele origin: germline.

Blueprint Genetics
Classification: Likely benign. Last evaluated: 2024-10-18. Review status: criteria provided, single submitter. Criteria: ACMG Guidelines, 2015. Collection method: clinical testing. Allele origin: germline.

GeneDx
Classification: Benign. Last evaluated: 2021-03-01. Review status: criteria provided, single submitter. Criteria: GeneDx Variant Classification Process June 2021. Collection method: clinical testing. Allele origin: germline. Affected: yes.

Ambry Genetics
Classification: Benign for Primary ciliary dyskinesia. Last evaluated: 2019-12-17. Review status: criteria provided, single submitter. Criteria: Ambry Variant Classification Scheme 2023. Collection method: clinical testing. Allele origin: germline.